The following is an entry in ClinVar:

NM_001135022.2(ELMOD3):c.1080G>C (p.Lys360Asn)

Gene: ELMOD3 (ELMO domain containing 3; plus strand). Cytogenetic location: 2p11.2.
Variant type: single nucleotide variant.
Coding change: c.1080G>C on transcript NM_001135022.2 (MANE Select); coding-DNA position 1080, G replaced by C.
Protein change: p.Lys360Asn; replaces lysine 360 with asparagine.
Molecular consequence: missense variant. On other transcripts: 3 prime UTR variant (1), non-coding transcript variant (3).
Genome position (GRCh38, 1-based): chr2:85,390,896, G>C. VCF-style: chr2-85390896-G-C. GRCh37 (hg19) VCF-style: chr2-85618019-G-C.
Other names: c.1080G>C, p.Lys360Asn (NM_001135021.2, NM_001135023.2, NM_001329791.2 and 2 more transcripts); c.*398G>C (NM_032213.5); short protein forms K360N.
Identifiers: ClinVar variation 3615817 (VCV003615817.2).

ClinVar aggregate classification (germline): Uncertain significance (1 of 4 stars; one submission).

gnomAD v4.1: 10 of 1,551,716 alleles (0.00064%); highest among the groups gnomAD compares: Non-Finnish European, 0.00087%; no homozygotes.

Submission:

Labcorp Genetics (formerly Invitae), Labcorp
Classification: Uncertain significance. Last evaluated: 2025-01-29. Review status: criteria provided, single submitter. Criteria: Invitae Variant Classification Sherloc (09022015). Collection method: clinical testing. Allele origin: germline.
Comment: This sequence change replaces lysine, which is basic and polar, with asparagine, which is neutral and polar, at codon 360 of the ELMOD3 protein (p.Lys360Asn). This variant is present in population databases (no rsID available, gnomAD 0.002%). This variant has not been reported in the literature in individuals affected with ELMOD3-related conditions. Invitae Evidence Modeling of protein sequence and biophysical properties (such as structural, functional, and spatial information, amino acid conservation, physicochemical variation, residue mobility, and thermodynamic stability) indicates that this missense variant is not expected to disrupt ELMOD3 protein function with a negative predictive value of 80%. In summary, the available evidence is currently insufficient to determine the role of this variant in disease. Therefore, it has been classified as a Variant of Uncertain Significance.